The following is an entry in ClinVar:

ClinVar aggregate classification (germline): Benign/Likely benign. Review status: criteria provided, multiple submitters, no conflicts (2 of 4 stars). 4 submissions from 4 submitters: Benign (1); Likely benign (2). 1 of the submissions does not count toward it. Last evaluated 2026-03-01.

Conditions:
DOCK6-related disorder. Also called: DOCK6-related condition.

Allele frequency attached by ClinVar (database versions not stated): gnomAD exomes 0.00025; ExAC 0.00037; gnomAD 0.00096; TOPMed 0.00100; ESP Exome Variant Server 0.00118; 1000 Genomes Project 0.00140; 1000 Genomes Project 30x 0.00156.
gnomAD v4.1: 272 of 1,547,310 alleles (0.018%); highest among the groups gnomAD compares: African/African-American, 0.33%; no homozygotes.

Submissions (4):

CeGaT Center for Human Genetics Tuebingen
Classification: Likely benign. Last evaluated: 2026-03-01. Review status: criteria provided, single submitter. Criteria: CeGaT Center For Human Genetics Tuebingen Variant Classification Criteria Version 2. Collection method: clinical testing. Allele origin: germline. Affected: yes. Observed: 1 variant allele.
Comment: DOCK6: BP4, BP7

Labcorp Genetics (formerly Invitae), Labcorp
Classification: Benign. Last evaluated: 2025-12-01. Review status: criteria provided, single submitter. Criteria: Invitae Variant Classification Sherloc (09022015). Collection method: clinical testing. Allele origin: germline.

Blueprint Genetics
Classification: Likely benign. Last evaluated: 2024-07-17. Review status: criteria provided, single submitter. Criteria: ACMG Guidelines, 2015. Collection method: clinical testing. Allele origin: germline.

PreventionGenetics, part of Exact Sciences
Classification: Likely benign for DOCK6-related condition. Last evaluated: 2019-08-06. Review status: no assertion criteria provided. Collection method: clinical testing. Allele origin: germline. Not counted in ClinVar's aggregate classification.
Comment: This variant is classified as likely benign based on ACMG/AMP sequence variant interpretation guidelines (Richards et al. 2015 PMID: 25741868, with internal and published modifications).

NM_020812.4(DOCK6):c.1608C>T (p.Pro536=)

Gene: DOCK6 (dedicator of cytokinesis 6; minus strand). Cytogenetic location: 19p13.2.
Variant type: single nucleotide variant.
Coding change: c.1608C>T on transcript NM_020812.4 (MANE Select); coding-DNA position 1608, C replaced by T.
Protein change: p.Pro536=; no amino-acid change (proline 536 retained).
Molecular consequence: synonymous variant.
Genome position (GRCh38, 1-based): chr19:11,242,080, G>A on the plus strand (C>T on the coding strand, the complement: DOCK6 is on the minus strand). VCF-style: chr19-11242080-G-A. GRCh37 (hg19) VCF-style: chr19-11352756-G-A.
Other names: c.1608C>T, p.Pro536= (NM_001367830.1).
Identifiers: ClinVar variation 715181 (VCV000715181.18), dbSNP rs114902682, ClinGen allele CA9208086.